The following is an entry in ClinVar:

NM_182493.3(MYLK3):c.1660C>T (p.Arg554Trp)

Gene: MYLK3 (myosin light chain kinase 3; minus strand). Cytogenetic location: 16q11.2.
Variant type: single nucleotide variant.
Coding change: c.1660C>T on transcript NM_182493.3 (MANE Select); coding-DNA position 1660, C replaced by T.
Protein change: p.Arg554Trp; replaces arginine 554 with tryptophan.
Molecular consequence: missense variant.
Genome position (GRCh38, 1-based): chr16:46,729,596, G>A on the plus strand (C>T on the coding strand, the complement: MYLK3 is on the minus strand). VCF-style: chr16-46729596-G-A. GRCh37 (hg19) VCF-style: chr16-46763508-G-A.
Other names: c.637C>T, p.Arg213Trp (NM_001308301.1); short protein forms R213W, R554W.
Identifiers: ClinVar variation 1446853 (VCV001446853.6), dbSNP rs775796132, ClinGen allele CA8037898.
Genomic context (GRCh38, chr16:46,729,596, plus strand): 5'-GGGAAGGAAAGGAATCCTGAGGCTGGCCACAGGGACCTGGCCCAGCCAGATGCCTCACCC[G>A]GTCCTTGGCGCTCTTCACTTTGATGATCTTGGCAGCCAGTGGGAGGCCTGTGGACTTCTC-3'
Protein context (NP_872299.2, residues 544-564): KIIKVKSAKD[Arg554Trp]EDVKNEINIM

ClinVar aggregate classification (germline): Uncertain significance (1 of 4 stars; one submission).

Allele frequency attached by ClinVar (database versions not stated): gnomAD exomes 0.00001 and 0.00002; ExAC 0.00003; TOPMed 0.00006; gnomAD 0.00009 and 0.00011.
gnomAD v4.1: 33 of 1,613,380 alleles (0.002%); highest among the groups gnomAD compares: African/African-American, 0.021%; no homozygotes.

Submission:

Labcorp Genetics (formerly Invitae), Labcorp
Classification: Uncertain significance. Last evaluated: 2025-08-11. Review status: criteria provided, single submitter. Criteria: Invitae Variant Classification Sherloc (09022015). Collection method: clinical testing. Allele origin: germline.
Comment: This sequence change replaces arginine, which is basic and polar, with tryptophan, which is neutral and slightly polar, at codon 554 of the MYLK3 protein (p.Arg554Trp). This variant is present in population databases (rs775796132, gnomAD 0.03%). This variant has not been reported in the literature in individuals affected with MYLK3-related conditions. ClinVar contains an entry for this variant (Variation ID: 1446853). An algorithm developed to predict the effect of missense changes on protein structure and function (PolyPhen-2) suggests that this variant is likely to be disruptive. In summary, the available evidence is currently insufficient to determine the role of this variant in disease. Therefore, it has been classified as a Variant of Uncertain Significance.